The following is an entry in ClinVar:

ClinVar aggregate classification (germline): Uncertain significance (1 of 4 stars; one submission).

Conditions:
Inborn genetic diseases. Identifiers: MedGen C0950123, MeSH D030342.

gnomAD v4.1: 1 of 1,614,064 alleles (0.000062%); highest among the groups gnomAD compares: Non-Finnish European, 0.000085%; no homozygotes.

Submission:

Ambry Genetics
Classification: Uncertain significance for Inborn genetic diseases. Last evaluated: 2025-05-27. Review status: criteria provided, single submitter. Criteria: Ambry Variant Classification Scheme 2023. Collection method: clinical testing. Allele origin: germline.
Comment: The p.S547C variant (also known as c.1640C>G), located in coding exon 12 of the ASXL1 gene, results from a C to G substitution at nucleotide position 1640. The serine at codon 547 is replaced by cysteine, an amino acid with dissimilar properties. This amino acid position is conserved. In addition, the in silico prediction for this alteration is inconclusive. Based on the available evidence, the clinical significance of this variant remains unclear.

NM_015338.6(ASXL1):c.1640C>G (p.Ser547Cys)

Gene: ASXL1 (ASXL transcriptional regulator 1; plus strand). Cytogenetic location: 20q11.21.
Variant type: single nucleotide variant.
Coding change: c.1640C>G on transcript NM_015338.6 (MANE Select); coding-DNA position 1640, C replaced by G.
Protein change: p.Ser547Cys; replaces serine 547 with cysteine.
Molecular consequence: missense variant.
Genome position (GRCh38, 1-based): chr20:32,433,838, C>G. VCF-style: chr20-32433838-C-G. GRCh37 (hg19) VCF-style: chr20-31021641-C-G.
Other names: c.1457C>G, p.Ser486Cys (NM_001363734.1); short protein forms S486C, S547C.
Identifiers: ClinVar variation 3957339 (VCV003957339.1).
Genomic context (GRCh38, chr20:32,433,838, plus strand): 5'-TTGAGCAGGCGGCCTCTGCATCCTTTCCCGAAAAGAAGCCCCGGCTTGAAGATCGTCAGT[C>G]CTTTCGTAACACAATTGAAAGTGTTCACACCGAAAAGCCACAGCCCACTAAAGAGGAGCC-3'
Protein context (NP_056153.2, residues 537-557): EKKPRLEDRQ[Ser547Cys]FRNTIESVHT